The following is an entry in ClinVar:

ClinVar aggregate classification (germline): Conflicting classifications of pathogenicity. Review status: criteria provided, conflicting classifications (1 of 4 stars). 5 submissions from 5 submitters: Likely pathogenic (3); Uncertain significance (2). Last evaluated 2026-10-24.

Conditions:
Primary dilated cardiomyopathy (DCM). Also called: Dilated Cardiomyopathy. Identifiers: Orphanet 217604, MedGen C0007193, MeSH D002311, MONDO:0005021, HP:0001644. Inheritance: Various modes of inheritance.
Cardiovascular phenotype. Identifiers: MedGen CN230736.
Autosomal recessive limb-girdle muscular dystrophy type 2J (LGMDR10). Also called: Limb-girdle muscular dystrophy, type 2J; MUSCULAR DYSTROPHY, LIMB-GIRDLE, AUTOSOMAL RECESSIVE 10. Identifiers: Orphanet 140922, MedGen C1837342, MONDO:0012127, OMIM 608807.
Dilated cardiomyopathy 1G (CMD1G). Identifiers: Orphanet 154, MedGen C1858763, MONDO:0011400, OMIM 604145.

Allele frequency attached by ClinVar (database versions not stated): gnomAD 0.00001; TOPMed 0.00002.

Submissions (5):

GeneDx
Classification: Uncertain significance. Last evaluated: 2026-10-24. Review status: criteria provided, single submitter. Criteria: GeneDx Variant Classification Process June 2021. Collection method: clinical testing. Allele origin: germline.
Comment: Not observed at significant frequency in large population cohorts (gnomAD); Nonsense variant predicted to result in protein truncation or nonsense mediated decay in a gene or region of a gene for which loss of function is not a well-established mechanism of disease; Identified in an individual from the Jackson Heart Study cohort; however, no specific clinical information was provided (PMID: 25589632); This variant is associated with the following publications: (PMID: 25589632)

Labcorp Genetics (formerly Invitae), Labcorp
Classification: Likely pathogenic for Dilated cardiomyopathy 1G; Autosomal recessive limb-girdle muscular dystrophy type 2J. Last evaluated: 2025-06-30. Review status: criteria provided, single submitter. Criteria: Invitae Variant Classification Sherloc (09022015). Collection method: clinical testing. Allele origin: germline.
Comment: This sequence change creates a premature translational stop signal (p.Glu2119*) in the TTN gene. While this is not anticipated to result in nonsense mediated decay, it is expected to create a truncated TTN protein. This variant is not present in population databases (gnomAD no frequency). This variant has not been observed in the literature in individuals with autosomal recessive TTN-related conditions. This variant has been reported in individual(s) with dilated cardiomyopathy (internal data); however, the role of the variant in this condition is currently unclear. ClinVar contains an entry for this variant (Variation ID: 223343). This variant is located in the Z band of TTN (PMID: 25589632). Truncating variants in this region have been reported in individuals affected with autosomal recessive centronuclear myopathy (PMID: 33449170, internal data). Truncating variants in this region have also been identified in individuals affected with autosomal dominant dilated cardiomyopathy and/or cardio-related conditions (PMID: 27869827, 32964742, internal data). In summary, the currently available evidence indicates that the variant is pathogenic, but additional data are needed to prove that conclusively. Therefore, this variant has been classified as Likely Pathogenic.

Ambry Genetics
Classification: Likely pathogenic for Cardiovascular phenotype. Last evaluated: 2025-03-04. Review status: criteria provided, single submitter. Criteria: Ambry Variant Classification Scheme 2023. Collection method: clinical testing. Allele origin: germline.
Comment: The p.E2073* variant (also known as c.6217G>T), located in coding exon 26 of the TTN gene, results from a G to T substitution at nucleotide position 6217. This changes the amino acid from an arginine to a stop codon within coding exon 26. This exon is located in the near Z-disk/I-band region of the N2-B isoform of the titin protein and is constitutively expressed in TTN transcripts (percent spliced in or PSI 100%). This variant was reported in individual(s) with features consistent with dilated cardiomyopathy (Ambry internal data). This variant is considered to be rare based on population cohorts in the Genome Aggregation Database (gnomAD). This variant is expected to result in loss of function by premature protein truncation or nonsense-mediated mRNA decay. While truncating variants in TTN are present in 1-3% of the general population, truncating variants in the A-band are the most common cause of dilated cardiomyopathy (Herman DS et al. N. Engl. J. Med., 2012 Feb;366:619-28; Roberts AM et al. Sci Transl Med, 2015 Jan;7:270ra6). TTN truncating variants encoded in constitutive exons (PSI >90%) have been found to be significantly associated with DCM regardless of their position in titin (Schafer S et al. Nat. Genet., 2017 01;49:46-53; Akhtar MM et al. Circ Heart Fail, 2020 Oct;13:e006832; Massier M et al. Clin Genet, 2025 Jan). Based on the majority of available evidence to date, this variant is likely to be pathogenic.

Laboratory for Molecular Medicine, Mass General Brigham Personalized Medicine
Classification: Likely pathogenic for Primary dilated cardiomyopathy. Last evaluated: 2019-02-22. Review status: criteria provided, single submitter. Criteria: ACMG Guidelines, 2015. Collection method: clinical testing. Allele origin: germline.
Comment: The p.Glu2119X variant in TTN has not been previously reported in individuals with TTN-associated diseases, such as dilated cardiomyopathy and neuromuscular conditions and was absent from large population studies. This nonsense variant leads to a premature termination codon at position 2119, which is predicted to lead to a truncated or absent protein. Nonsense and other truncating variants in TTN are strongly associated with DCM if they impact the exons encoding for the A-band (Herman 2012, Pugh 2014) and/or are located in an exon that is highly expressed in the heart (Roberts 2015). In addition, TTN variants have also been associated with myopathies and other neuromuscular conditions, which usually have autosomal recessive inheritance (Savarese 2016). The p.Glu2119X variant is located in a highly expressed exon in the near Z-disk/I-band region. In summary, although additional studies are required to fully establish its clinical significance, this variant meets criteria to be classified as likely pathogenic for TTN-associated diseases. ACMG/AMP Criteria applied: PVS1, PM2.

Cardiovascular Biomedical Research Unit, Royal Brompton & Harefield NHS Foundation Trust
Classification: Uncertain significance for Primary dilated cardiomyopathy. Last evaluated: 2014-10-08. Review status: criteria provided, single submitter. Criteria: Roberts et al. 2015. Collection method: research. Allele origin: germline. Inheritance: Autosomal dominant inheritance. Affected: no. Observed: 1 variant allele. Study: JHS cohort.
Comment: In the seven cohorts assessed, TTNtv were found in 14% of ambulant DCM, 22% end-stage or familial DCM, and 2% controls. Heterozygous nonsense, frameshift and canonical splice-disrupting variants found in constitutive and other highly utilised exons are highly likely to be pathogenic when identified in individuals with phenotypically confirmed DCM. TTNtv found incidentally in healthy individuals (excluding familial assessment of DCM relatives) are thought to have low penetrance, particularly when identified in exons that are not constitutively expressed in the heart.

Literature cited by the submitters: PubMed 25589632 (cited by Labcorp Genetics (formerly Invitae), Labcorp and Laboratory for Molecular Medicine, Mass General Brigham Personalized Medicine); PubMed 33449170 (cited by Labcorp Genetics (formerly Invitae), Labcorp); PubMed 27869827 (cited by Labcorp Genetics (formerly Invitae), Labcorp); PubMed 32964742 (cited by Labcorp Genetics (formerly Invitae), Labcorp); PubMed 38438525 (cited by Ambry Genetics).

NM_001267550.2(TTN):c.6355G>T (p.Glu2119Ter)

Gene: TTN (titin; minus strand). Cytogenetic location: 2q31.2.
Variant type: single nucleotide variant.
Coding change: c.6355G>T on transcript NM_001267550.2 (MANE Select); coding-DNA position 6355, G replaced by T.
Protein change: p.Glu2119Ter; replaces glutamic acid 2119 with a stop codon.
Molecular consequence: nonsense.
Genome position (GRCh38, 1-based): chr2:178,775,509, C>A on the plus strand (G>T on the coding strand, the complement: TTN is on the minus strand). VCF-style: chr2-178775509-C-A. GRCh37 (hg19) VCF-style: chr2-179640236-C-A.
Other names: c.6355G>T (LRG_391t1, NM_001267550.1); c.6355G>T, p.Glu2119Ter (NM_001256850.1, NM_133378.4, NM_133379.5); c.6217G>T, p.Glu2073Ter (NM_003319.4, NM_133432.3, NM_133437.4); short protein forms E2119*, E2073*.
Identifiers: ClinVar variation 223343 (VCV000223343.13), dbSNP rs869312098, ClinGen allele CA353251.